The following is an entry in ClinVar:

NM_001999.4(FBN2):c.8247A>G (p.Thr2749=)

Gene: FBN2 (fibrillin 2; minus strand). Cytogenetic location: 5q23.3.
Variant type: single nucleotide variant.
Coding change: c.8247A>G on transcript NM_001999.4 (MANE Select); coding-DNA position 8247, A replaced by G.
Protein change: p.Thr2749=; no amino-acid change (threonine 2749 retained).
Molecular consequence: synonymous variant.
Genome position (GRCh38, 1-based): chr5:128,261,853, T>C on the plus strand (A>G on the coding strand, the complement: FBN2 is on the minus strand). VCF-style: chr5-128261853-T-C. GRCh37 (hg19) VCF-style: chr5-127597545-T-C.
Identifiers: ClinVar variation 211002 (VCV000211002.70), dbSNP rs116413101, ClinGen allele CA211158.

ClinVar aggregate classification (germline): Conflicting classifications of pathogenicity. Review status: criteria provided, conflicting classifications (1 of 4 stars). 10 submissions from 10 submitters: Uncertain significance (1); Benign (5); Likely benign (4). Last evaluated 2026-06-01.

Conditions:
Familial thoracic aortic aneurysm and aortic dissection (TAAD). Also called: Thoracic aortic aneurysms and dissections. Identifiers: Orphanet 91387, MedGen C4707243, MONDO:0019625.
Connective tissue disorder. Also called: Connective tissue disease. Identifiers: MedGen C0009782, MONDO:0003900.
Congenital contractural arachnodactyly (CCA). Also called: BEALS SYNDROME; Beals-Hecht syndrome; Arthrogryposis, distal, type 9. Identifiers: Orphanet 115, MedGen C0220668, MONDO:0007363, OMIM 121050.

Allele frequency attached by ClinVar (database versions not stated): gnomAD exomes 0.00017 and 0.00054; ExAC 0.00071; 1000 Genomes Project 30x 0.00078; 1000 Genomes Project 0.00100; gnomAD 0.00233 and 0.00251; TOPMed 0.00251; ESP Exome Variant Server 0.00315.

Submissions (10):

CeGaT Center for Human Genetics Tuebingen
Classification: Likely benign. Last evaluated: 2026-06-01. Review status: criteria provided, single submitter. Criteria: CeGaT Center For Human Genetics Tuebingen Variant Classification Criteria Version 2. Collection method: clinical testing. Allele origin: germline. Affected: yes. Observed: 1 variant allele.
Comment: FBN2: BP4, BP7, BS1

Labcorp Genetics (formerly Invitae), Labcorp
Classification: Benign for Congenital contractural arachnodactyly. Last evaluated: 2026-02-02. Review status: criteria provided, single submitter. Criteria: Invitae Variant Classification Sherloc (09022015). Collection method: clinical testing. Allele origin: germline.

Blueprint Genetics
Classification: Likely benign. Last evaluated: 2024-10-02. Review status: criteria provided, single submitter. Criteria: ACMG Guidelines, 2015. Collection method: clinical testing. Allele origin: germline.

Women's Health and Genetics/Laboratory Corporation of America, LabCorp
Classification: Benign. Last evaluated: 2023-07-21. Review status: criteria provided, single submitter. Criteria: LabCorp Variant Classification Summary - May 2015. Collection method: clinical testing. Allele origin: germline.

Genome Diagnostics Laboratory, The Hospital for Sick Children
Classification: Likely benign for Connective tissue disorder. Last evaluated: 2022-02-10. Review status: criteria provided, single submitter. Criteria: ACMG Guidelines, 2015. Collection method: clinical testing. Allele origin: germline.

ARUP Laboratories, Molecular Genetics and Genomics, ARUP Laboratories
Classification: Benign. Last evaluated: 2019-08-08. Review status: criteria provided, single submitter. Criteria: ARUP Molecular Germline Variant Investigation Process. Collection method: clinical testing. Allele origin: germline.

Ambry Genetics
Classification: Likely benign for Familial thoracic aortic aneurysm and aortic dissection. Last evaluated: 2016-02-29. Review status: criteria provided, single submitter. Criteria: Ambry Variant Classification Scheme 2023. Collection method: clinical testing. Allele origin: germline.

Genetic Services Laboratory, University of Chicago
Classification: Uncertain significance. Last evaluated: 2014-11-07. Review status: criteria provided, single submitter. Criteria: ACMG Guidelines, 2015. Collection method: clinical testing. Allele origin: germline.

GeneDx
Classification: Benign. Last evaluated: 2014-10-21. Review status: criteria provided, single submitter. Criteria: GeneDx Variant Classification (06012015). Collection method: clinical testing. Allele origin: germline. Affected: yes.
Comment: This variant is considered likely benign or benign based on one or more of the following criteria: it is a conservative change, it occurs at a poorly conserved position in the protein, it is predicted to be benign by multiple in silico algorithms, and/or has population frequency not consistent with disease.

PreventionGenetics, part of Exact Sciences
Classification: Benign. Review status: criteria provided, single submitter. Criteria: ACMG Guidelines, 2015. Collection method: clinical testing. Allele origin: germline.